The following is an entry in ClinVar:

ClinVar aggregate classification (germline): Benign/Likely benign. Review status: criteria provided, multiple submitters, no conflicts (2 of 4 stars). 2 submissions from 2 submitters: Benign (1); Likely benign (1). Last evaluated 2025-11-05.

Conditions:
Multiple congenital anomalies-hypotonia-seizures syndrome 2 (MCAHS2). Also called: GLYCOSYLPHOSPHATIDYLINOSITOL BIOSYNTHESIS DEFECT 4; EPILEPTIC ENCEPHALOPATHY, EARLY INFANTILE, 20. Identifiers: Orphanet 300496, MedGen C3275508, MONDO:0010466, OMIM 300868.

Allele frequency attached by ClinVar (database versions not stated): gnomAD exomes 0.00002 and 0.00008; gnomAD 0.00004; TOPMed 0.00006; ExAC 0.00009.
gnomAD v4.1: 27 of 1,210,564 alleles (0.0022%); highest among the groups gnomAD compares: East Asian, 0.071%; no homozygotes.

Submissions (2):

Labcorp Genetics (formerly Invitae), Labcorp
Classification: Benign for Multiple congenital anomalies-hypotonia-seizures syndrome 2. Last evaluated: 2025-11-05. Review status: criteria provided, single submitter. Criteria: Invitae Variant Classification Sherloc (09022015). Collection method: clinical testing. Allele origin: germline.

GeneDx
Classification: Likely benign. Last evaluated: 2016-10-21. Review status: criteria provided, single submitter. Criteria: GeneDx Variant Classification (06012015). Collection method: clinical testing. Allele origin: germline. Affected: yes.
Comment: This variant is considered likely benign or benign based on one or more of the following criteria: it is a conservative change, it occurs at a poorly conserved position in the protein, it is predicted to be benign by multiple in silico algorithms, and/or has population frequency not consistent with disease.

NM_002641.4(PIGA):c.198G>A (p.Lys66=)

Gene: PIGA (phosphatidylinositol glycan anchor biosynthesis class A; minus strand). Cytogenetic location: Xp22.2.
Variant type: single nucleotide variant.
Coding change: c.198G>A on transcript NM_002641.4 (MANE Select); coding-DNA position 198, G replaced by A.
Protein change: p.Lys66=; no amino-acid change (lysine 66 retained).
Molecular consequence: synonymous variant. On other transcripts: non-coding transcript variant (1), intron variant (1).
Genome position (GRCh38, 1-based): chrX:15,331,733, C>T on the plus strand (G>A on the coding strand, the complement: PIGA is on the minus strand). VCF-style: chrX-15331733-C-T. GRCh37 (hg19) VCF-style: chrX-15349855-C-T.
Other names: c.13+3768G>A (NM_020473.3).
Identifiers: ClinVar variation 390246 (VCV000390246.9), dbSNP rs762748091, ClinGen allele CA10354180.